The following is an entry in ClinVar:

NM_001267550.2(TTN):c.56963-3C>T

Genes: TTN (titin; minus strand), TTN-AS1 (TTN antisense RNA 1; plus strand). Cytogenetic location: 2q31.2.
Variant type: single nucleotide variant.
Coding change: c.56963-3C>T on transcript NM_001267550.2 (MANE Select); 3 bases into the intron before coding-DNA position 56963, C replaced by T.
Molecular consequence: intron variant. On other transcripts: non-coding transcript variant (1).
Genome position (GRCh38, 1-based): chr2:178,598,657, G>A on the plus strand (C>T on the coding strand, the complement: TTN is on the minus strand). VCF-style: chr2-178598657-G-A. GRCh37 (hg19) VCF-style: chr2-179463384-G-A.
Other names: c.29768-3C>T (NM_003319.4); c.30344-3C>T (NM_133437.4); c.30143-3C>T (NM_133432.3); c.49259-3C>T (NM_133378.4); c.52040-3C>T (NM_001256850.1).
Identifiers: ClinVar variation 212473 (VCV000212473.14), dbSNP rs375979145, ClinGen allele CA209596.

ClinVar aggregate classification (germline): Conflicting classifications of pathogenicity. Review status: criteria provided, conflicting classifications (1 of 4 stars). 5 submissions from 5 submitters: Uncertain significance (2); Likely benign (3). Last evaluated 2026-05-08.

Conditions:
TTN-related disorder. Also called: TTN-related disorders; TTN-related condition; TTN-related disease.
Dilated cardiomyopathy 1G (CMD1G). Identifiers: Orphanet 154, MedGen C1858763, MONDO:0011400, OMIM 604145.
Autosomal recessive limb-girdle muscular dystrophy type 2J (LGMDR10). Also called: Limb-girdle muscular dystrophy, type 2J; MUSCULAR DYSTROPHY, LIMB-GIRDLE, AUTOSOMAL RECESSIVE 10. Identifiers: Orphanet 140922, MedGen C1837342, MONDO:0012127, OMIM 608807.

Allele frequency attached by ClinVar (database versions not stated): ExAC 0.00001; gnomAD 0.00001; TOPMed 0.00001; gnomAD exomes 0.00002 and 0.00003; ESP Exome Variant Server 0.00008.
gnomAD v4.1: 37 of 1,601,510 alleles (0.0023%); highest among the groups gnomAD compares: Middle Eastern, 0.42%; no homozygotes.

Submissions (5):

PreventionGenetics, part of Exact Sciences
Classification: Likely benign for TTN-related condition. Last evaluated: 2026-05-08. Review status: criteria provided, single submitter. Criteria: ACMG Guidelines, 2015. Collection method: clinical testing. Allele origin: germline.
Comment: This variant is classified as likely benign based on ACMG/AMP sequence variant interpretation guidelines (Richards et al. 2015 PMID: 25741868, with internal and published modifications).

Labcorp Genetics (formerly Invitae), Labcorp
Classification: Uncertain significance for Dilated cardiomyopathy 1G; Autosomal recessive limb-girdle muscular dystrophy type 2J. Last evaluated: 2026-01-27. Review status: criteria provided, single submitter. Criteria: Invitae Variant Classification Sherloc (09022015). Collection method: clinical testing. Allele origin: germline.
Comment: This sequence change falls in intron 291 of the TTN gene. It does not directly change the encoded amino acid sequence of the TTN protein. It affects a nucleotide within the consensus splice site. This variant is present in population databases (rs375979145, gnomAD 0.004%). This variant has not been reported in the literature in individuals affected with TTN-related conditions. ClinVar contains an entry for this variant (Variation ID: 212473). Variants that disrupt the consensus splice site are a relatively common cause of aberrant splicing (PMID: 17576681, 9536098). In summary, the available evidence is currently insufficient to determine the role of this variant in disease. Therefore, it has been classified as a Variant of Uncertain Significance.

Molecular Diagnostic Laboratory for Inherited Cardiovascular Disease, Montreal Heart Institute
Classification: Likely benign. Last evaluated: 2025-04-09. Review status: criteria provided, single submitter. Criteria: ACMG Guidelines, 2015. Collection method: clinical testing. Allele origin: germline. Affected: no.
Comment: BS1

GeneDx
Classification: Likely benign. Last evaluated: 2020-02-20. Review status: criteria provided, single submitter. Criteria: GeneDx Variant Classification Process June 2021. Collection method: clinical testing. Allele origin: germline. Affected: yes.

Genetic Services Laboratory, University of Chicago
Classification: Uncertain significance. Last evaluated: 2015-01-20. Review status: criteria provided, single submitter. Criteria: ACMG Guidelines, 2015. Collection method: clinical testing. Allele origin: germline.

Literature cited by the submitters: PubMed 17576681 (cited by Labcorp Genetics (formerly Invitae), Labcorp); PubMed 9536098 (cited by Labcorp Genetics (formerly Invitae), Labcorp).